The following is an entry in ClinVar:

ClinVar aggregate classification (germline): Uncertain significance. Review status: criteria provided, multiple submitters, no conflicts (2 of 4 stars). 7 submissions from 7 submitters: Uncertain significance (6). 1 of the submissions does not count toward it. Last evaluated 2024-10-01.

Conditions:
Glycogen storage disease, type II (IOPD). Also called: Pompe Disease; CARDIOMEGALIA GLYCOGENICA DIFFUSA; GSD II; GLYCOGENOSIS, GENERALIZED, CARDIAC FORM; Glycogen storage disease type 2; Acid maltase deficiency disease. Identifiers: Orphanet 365, MedGen C0017921, MONDO:0009290, OMIM 232300.

Allele frequency attached by ClinVar (database versions not stated): ExAC 0.00001; gnomAD 0.00001; gnomAD exomes 0.00001 and below 0.00001; TOPMed 0.00001.
gnomAD v4.1: 18 of 1,612,956 alleles (0.0011%); highest among the groups gnomAD compares: Non-Finnish European, 0.0015%; no homozygotes.

Submissions (7):

CeGaT Center for Human Genetics Tuebingen
Classification: Uncertain significance. Last evaluated: 2024-10-01. Review status: criteria provided, single submitter. Criteria: CeGaT Center For Human Genetics Tuebingen Variant Classification Criteria Version 2. Collection method: clinical testing. Allele origin: germline. Affected: yes. Observed: 1 variant allele.
Comment: GAA: PM2

Blueprint Genetics
Classification: Uncertain significance. Last evaluated: 2024-09-02. Review status: criteria provided, single submitter. Criteria: ACMG Guidelines, 2015. Collection method: clinical testing. Allele origin: germline.

Labcorp Genetics (formerly Invitae), Labcorp
Classification: Uncertain significance for Glycogen storage disease, type II. Last evaluated: 2022-06-14. Review status: criteria provided, single submitter. Criteria: Invitae Variant Classification Sherloc (09022015). Collection method: clinical testing. Allele origin: germline.
Comment: This sequence change replaces glutamic acid, which is acidic and polar, with aspartic acid, which is acidic and polar, at codon 835 of the GAA protein (p.Glu835Asp). This variant is present in population databases (rs771259598, gnomAD 0.0009%). This variant has not been reported in the literature in individuals affected with GAA-related conditions. ClinVar contains an entry for this variant (Variation ID: 580968). Advanced modeling of protein sequence and biophysical properties (such as structural, functional, and spatial information, amino acid conservation, physicochemical variation, residue mobility, and thermodynamic stability) performed at Invitae indicates that this missense variant is not expected to disrupt GAA protein function. In summary, the available evidence is currently insufficient to determine the role of this variant in disease. Therefore, it has been classified as a Variant of Uncertain Significance.

Genome-Nilou Lab
Classification: Uncertain significance for Glycogen storage disease, type II. Last evaluated: 2021-09-05. Review status: criteria provided, single submitter. Criteria: ACMG Guidelines, 2015. Collection method: clinical testing. Allele origin: germline. Affected: no.

Fulgent Genetics
Classification: Uncertain significance for Glycogen storage disease, type II. Last evaluated: 2021-08-13. Review status: criteria provided, single submitter. Criteria: ACMG Guidelines, 2015. Collection method: clinical testing. Allele origin: unknown.

GeneDx
Classification: Uncertain significance. Last evaluated: 2019-08-22. Review status: criteria provided, single submitter. Criteria: GeneDx Variant Classification Process June 2021. Collection method: clinical testing. Allele origin: germline. Affected: yes.
Comment: Not observed at a significant frequency in large population cohorts (Lek et al., 2016); In silico analysis, which includes protein predictors and evolutionary conservation, supports that this variant does not alter protein structure/function; Has not been previously published as pathogenic or benign to our knowledge

Natera, Inc.
Classification: Uncertain significance for Glycogen storage disease type II. Last evaluated: 2020-01-17. Review status: no assertion criteria provided. Collection method: clinical testing. Allele origin: germline. Not counted in ClinVar's aggregate classification.

NM_000152.5(GAA):c.2505G>C (p.Glu835Asp)

Gene: GAA (alpha glucosidase; plus strand). Cytogenetic location: 17q25.3.
Variant type: single nucleotide variant.
Coding change: c.2505G>C on transcript NM_000152.5 (MANE Select); coding-DNA position 2505, G replaced by C.
Protein change: p.Glu835Asp; replaces glutamic acid 835 with aspartic acid.
Molecular consequence: missense variant.
Genome position (GRCh38, 1-based): chr17:80,118,216, G>C. VCF-style: chr17-80118216-G-C. GRCh37 (hg19) VCF-style: chr17-78092015-G-C.
Other names: c.2505G>C (LRG_673t1); c.2505G>C, p.Glu835Asp (NM_001079803.3, NM_001079804.3); short protein forms E835D.
Identifiers: ClinVar variation 580968 (VCV000580968.26), dbSNP rs771259598, ClinGen allele CA8815776.